The following is an entry in ClinVar:

NM_001142800.2(EYS):c.683G>T (p.Cys228Phe)

Gene: EYS (eyes shut homolog; minus strand). Cytogenetic location: 6q12.
Variant type: single nucleotide variant.
Coding change: c.683G>T on transcript NM_001142800.2 (MANE Select); coding-DNA position 683, G replaced by T.
Protein change: p.Cys228Phe; replaces cysteine 228 with phenylalanine.
Molecular consequence: missense variant.
Genome position (GRCh38, 1-based): chr6:65,494,728, C>A on the plus strand (G>T on the coding strand, the complement: EYS is on the minus strand). VCF-style: chr6-65494728-C-A. GRCh37 (hg19) VCF-style: chr6-66204621-C-A.
Other names: c.683G>T, p.Cys228Phe (NM_001142801.2, NM_001292009.2, NM_198283.2); short protein forms C228F.
Identifiers: ClinVar variation 956659 (VCV000956659.8), dbSNP rs999213534, ClinGen allele CA364789369.

ClinVar aggregate classification (germline): Uncertain significance. Review status: criteria provided, single submitter (1 of 4 stars). 2 submissions from 2 submitters: Uncertain significance (1). 1 of the submissions does not count toward it. Last evaluated 2021-08-28.

Conditions:
Retinitis pigmentosa 25 (RP25). Identifiers: Orphanet 791, MedGen C1864446, MONDO:0011272, OMIM 602772.

Submissions (2):

Labcorp Genetics (formerly Invitae), Labcorp
Classification: Uncertain significance. Last evaluated: 2021-08-28. Review status: criteria provided, single submitter. Criteria: Invitae Variant Classification Sherloc (09022015). Collection method: clinical testing. Allele origin: germline.
Comment: This sequence change replaces cysteine with phenylalanine at codon 228 of the EYS protein (p.Cys228Phe). The cysteine residue is highly conserved and there is a large physicochemical difference between cysteine and phenylalanine. This variant is not present in population databases (ExAC no frequency). This variant has not been reported in the literature in individuals affected with EYS-related conditions. Algorithms developed to predict the effect of missense changes on protein structure and function output the following: SIFT: "Deleterious"; PolyPhen-2: "Benign"; Align-GVGD: "Class C65". The phenylalanine amino acid residue is found in multiple mammalian species, which suggests that this missense change does not adversely affect protein function. In summary, the available evidence is currently insufficient to determine the role of this variant in disease. Therefore, it has been classified as a Variant of Uncertain Significance.

Natera, Inc.
Classification: Uncertain significance for Retinitis pigmentosa type 25. Last evaluated: 2020-09-01. Review status: no assertion criteria provided. Collection method: clinical testing. Allele origin: germline. Not counted in ClinVar's aggregate classification.